The following is an entry in ClinVar:

NM_024312.5(GNPTAB):c.157_160del (p.Phe53fs)

Gene: GNPTAB (N-acetylglucosamine-1-phosphate transferase subunits alpha and beta; minus strand). Cytogenetic location: 12q23.2.
Variant type: Microsatellite.
Coding change: c.157_160del on transcript NM_024312.5 (MANE Select); coding-DNA positions 157 to 160, 4 bases deleted (TTTG; older notation c.157_160delTTTG).
Protein change: p.Phe53fs; shifts the reading frame from phenylalanine 53.
Molecular consequence: frameshift variant.
Genome position (GRCh38, 1-based): chr12:101,796,720-101,796,723, CAAA deleted on the plus strand (TTTG on the coding strand, the reverse complement: GNPTAB is on the minus strand); deleting any 4 consecutive bases within chr12:101,796,720-101,796,727 gives the same sequence; the c. name uses the placement nearest the transcript's 3' end. VCF-style (leftmost placement, unchanged base first): chr12-101796719-TCAAA-T. GRCh37 (hg19) VCF-style: chr12-102190497-TCAAA-T.
Other names: c.157_160del (NM_024312.4); short protein forms F53fs.
Identifiers: ClinVar variation 195376 (VCV000195376.14), dbSNP rs794727302, ClinGen allele CA275088.

ClinVar aggregate classification (germline): Pathogenic/Likely pathogenic. Review status: criteria provided, multiple submitters, no conflicts (2 of 4 stars). 3 submissions from 3 submitters: Pathogenic (2); Likely pathogenic (1). Last evaluated 2025-10-14.

Conditions:
Mucolipidosis type II. Also called: Mucolipidosis II Alpha/Beta; Mucolipidosis 2; ML 2; Inclusion cell disease; Leroy Disease; N-acetylglucosamine 1phosphotransferase deficiency. Identifiers: Orphanet 576, MedGen C2673377, MONDO:0009650, OMIM 252500.
Pseudo-Hurler polydystrophy. Also called: Mucolipidosis III Alpha/Beta; Type III Mucolipidosis; ML IIIA; ML III; ML III ALPHA/BETA; MUCOLIPIDOSIS IIIA. Identifiers: Orphanet 423461, Orphanet 577, MedGen C0033788, MONDO:0018931, OMIM 252600.

Submissions (3):

Labcorp Genetics (formerly Invitae), Labcorp
Classification: Pathogenic for Pseudo-Hurler polydystrophy; Mucolipidosis type II. Last evaluated: 2025-10-14. Review status: criteria provided, single submitter. Criteria: Invitae Variant Classification Sherloc (09022015). Collection method: clinical testing. Allele origin: germline.
Comment: This sequence change creates a premature translational stop signal (p.Phe53Ilefs*29) in the GNPTAB gene. It is expected to result in an absent or disrupted protein product. Loss-of-function variants in GNPTAB are known to be pathogenic (PMID: 19617216, 25107912). This variant is present in population databases (rs794727302, gnomAD 0.0009%). This variant has not been reported in the literature in individuals affected with GNPTAB-related conditions. ClinVar contains an entry for this variant (Variation ID: 195376). For these reasons, this variant has been classified as Pathogenic.

Natera, Inc.
Classification: Likely pathogenic for Mucolipidosis type II. Last evaluated: 2024-05-14. Review status: criteria provided, single submitter. Criteria: Natera Variant Classification Schema (03/2026). Collection method: clinical testing. Allele origin: germline.
Comment: The c.157_160delTTTG variant in GNPTAB is a frameshift variant predicted to shift the reading frame beginning at codon 53 and leads to a stop codon 29 codons downstream. This variant is expected to result in nonsense mediated decay, truncation, or a dysfunctional protein product. This variant is rare in the general population with a frequency below the threshold expected for the associated phenotype(s). Given the available evidence, this variant is classified as Likely Pathogenic.

Eurofins Ntd Llc (ga)
Classification: Pathogenic. Last evaluated: 2014-06-02. Review status: criteria provided, single submitter. Criteria: EGL Classification Definitions 2015. Collection method: clinical testing. Allele origin: germline. Observed: 2 variant alleles, 2 heterozygotes.

Literature cited by the submitters: PubMed 19617216 (cited by Labcorp Genetics (formerly Invitae), Labcorp); PubMed 25107912 (cited by Labcorp Genetics (formerly Invitae), Labcorp).